The following is an entry in ClinVar:

NM_001291303.3(FAT4):c.634G>T (p.Val212Phe)

Gene: FAT4 (FAT atypical cadherin 4; plus strand). Cytogenetic location: 4q28.1.
Variant type: single nucleotide variant.
Coding change: c.634G>T on transcript NM_001291303.3 (MANE Select); coding-DNA position 634, G replaced by T.
Protein change: p.Val212Phe; replaces valine 212 with phenylalanine.
Molecular consequence: missense variant.
Genome position (GRCh38, 1-based): chr4:125,317,045, G>T. VCF-style: chr4-125317045-G-T. GRCh37 (hg19) VCF-style: chr4-126238200-G-T.
Other names: c.634G>T, p.Val212Phe (NM_001291285.3, NM_024582.6); short protein forms V212F.
Identifiers: ClinVar variation 1388605 (VCV001388605.7), dbSNP rs2125938960, ClinGen allele CA358116207.

ClinVar aggregate classification (germline): Uncertain significance (1 of 4 stars; one submission).

Allele frequency attached by ClinVar (database versions not stated): gnomAD exomes 0.00001.
gnomAD v4.1: 3 of 1,614,048 alleles (0.00019%); highest among the groups gnomAD compares: Non-Finnish European, 0.00025%; no homozygotes.

Submission:

Labcorp Genetics (formerly Invitae), Labcorp
Classification: Uncertain significance. Last evaluated: 2022-10-17. Review status: criteria provided, single submitter. Criteria: Invitae Variant Classification Sherloc (09022015). Collection method: clinical testing. Allele origin: germline.
Comment: This variant has not been reported in the literature in individuals affected with FAT4-related conditions. This sequence change replaces valine, which is neutral and non-polar, with phenylalanine, which is neutral and non-polar, at codon 212 of the FAT4 protein (p.Val212Phe). This variant is not present in population databases (gnomAD no frequency). ClinVar contains an entry for this variant (Variation ID: 1388605). Advanced modeling of protein sequence and biophysical properties (such as structural, functional, and spatial information, amino acid conservation, physicochemical variation, residue mobility, and thermodynamic stability) performed at Invitae indicates that this missense variant is not expected to disrupt FAT4 protein function. In summary, the available evidence is currently insufficient to determine the role of this variant in disease. Therefore, it has been classified as a Variant of Uncertain Significance.